The following is an entry in ClinVar:

ClinVar aggregate classification (germline): Uncertain significance (1 of 4 stars; one submission).

Allele frequency attached by ClinVar (database versions not stated): gnomAD exomes below 0.00001; TOPMed 0.00002; gnomAD 0.00003.
gnomAD v4.1: 8 of 1,561,928 alleles (0.00051%); highest among the groups gnomAD compares: African/African-American, 0.0081%; no homozygotes.

Submission:

Labcorp Genetics (formerly Invitae), Labcorp
Classification: Uncertain significance. Last evaluated: 2022-11-30. Review status: criteria provided, single submitter. Criteria: Invitae Variant Classification Sherloc (09022015). Collection method: clinical testing. Allele origin: germline.
Comment: In summary, the available evidence is currently insufficient to determine the role of this variant in disease. Therefore, it has been classified as a Variant of Uncertain Significance. Advanced modeling of protein sequence and biophysical properties (such as structural, functional, and spatial information, amino acid conservation, physicochemical variation, residue mobility, and thermodynamic stability) performed at Invitae indicates that this missense variant is not expected to disrupt DVL1 protein function. This variant has not been reported in the literature in individuals affected with DVL1-related conditions. This variant is not present in population databases (gnomAD no frequency). This sequence change replaces threonine, which is neutral and polar, with proline, which is neutral and non-polar, at codon 622 of the DVL1 protein (p.Thr622Pro).

NM_001330311.2(DVL1):c.1939A>C (p.Thr647Pro)

Gene: DVL1 (dishevelled segment polarity protein 1; minus strand). Cytogenetic location: 1p36.33.
Variant type: single nucleotide variant.
Coding change: c.1939A>C on transcript NM_001330311.2 (MANE Select); coding-DNA position 1939, A replaced by C.
Protein change: p.Thr647Pro; replaces threonine 647 with proline.
Molecular consequence: missense variant.
Genome position (GRCh38, 1-based): chr1:1,336,291, T>G on the plus strand (A>C on the coding strand, the complement: DVL1 is on the minus strand). VCF-style: chr1-1336291-T-G. GRCh37 (hg19) VCF-style: chr1-1271671-T-G.
Other names: c.1864A>C, p.Thr622Pro (NM_004421.3); short protein forms T622P, T647P.
Identifiers: ClinVar variation 2971546 (VCV002971546.3), dbSNP rs376852453, ClinGen allele CA16750074.